The following is an entry in ClinVar:

ClinVar aggregate classification (germline): Likely benign. Review status: criteria provided, multiple submitters, no conflicts (2 of 4 stars). 4 submissions from 4 submitters: Likely benign (3). 1 of the submissions does not count toward it. Last evaluated 2025-12-22.

Conditions:
Marfan syndrome (MFS). Also called: MARFAN SYNDROME, TYPE I; FBN1-Related Marfan Syndrome; Marfan syndrome type 1; Marfan's syndrome; Marfan syndrome, classic. Identifiers: Orphanet 284963, Orphanet 558, MedGen C0024796, MONDO:0007947, OMIM 154700.
Familial thoracic aortic aneurysm and aortic dissection (TAAD). Also called: Thoracic aortic aneurysms and dissections. Identifiers: Orphanet 91387, MedGen C4707243, MONDO:0019625.
FBN1-related disorder. Also called: FBN1-related disorders.

Allele frequency attached by ClinVar (database versions not stated): gnomAD exomes below 0.00001.
gnomAD v4.1: 2 of 1,612,636 alleles (0.00012%); highest among the groups gnomAD compares: African/African-American, 0.0013%; no homozygotes.

Submissions (4):

Labcorp Genetics (formerly Invitae), Labcorp
Classification: Likely benign for Marfan syndrome; Familial thoracic aortic aneurysm and aortic dissection. Last evaluated: 2025-12-22. Review status: criteria provided, single submitter. Criteria: Invitae Variant Classification Sherloc (09022015). Collection method: clinical testing. Allele origin: germline.

Women's Health and Genetics/Laboratory Corporation of America, LabCorp
Classification: Likely benign. Last evaluated: 2019-08-28. Review status: criteria provided, single submitter. Criteria: LabCorp Variant Classification Summary - May 2015. Collection method: clinical testing. Allele origin: germline.

Color Diagnostics, LLC DBA Color Health
Classification: Likely benign for Familial thoracic aortic aneurysm and aortic dissection. Last evaluated: 2018-11-21. Review status: criteria provided, single submitter. Criteria: ACMG Guidelines, 2015. Collection method: clinical testing. Allele origin: germline.

PreventionGenetics, part of Exact Sciences
Classification: Likely benign for FBN1-related condition. Last evaluated: 2021-01-20. Review status: no assertion criteria provided. Collection method: clinical testing. Allele origin: germline. Not counted in ClinVar's aggregate classification.
Comment: This variant is classified as likely benign based on ACMG/AMP sequence variant interpretation guidelines (Richards et al. 2015 PMID: 25741868, with internal and published modifications).

NM_000138.5(FBN1):c.336C>T (p.Gly112=)

Gene: FBN1 (fibrillin 1; minus strand). Cytogenetic location: 15q21.1.
Variant type: single nucleotide variant.
Coding change: c.336C>T on transcript NM_000138.5 (MANE Select); coding-DNA position 336, C replaced by T.
Protein change: p.Gly112=; no amino-acid change (glycine 112 retained).
Molecular consequence: synonymous variant.
Genome position (GRCh38, 1-based): chr15:48,610,738, G>A on the plus strand (C>T on the coding strand, the complement: FBN1 is on the minus strand). VCF-style: chr15-48610738-G-A. GRCh37 (hg19) VCF-style: chr15-48902935-G-A.
Identifiers: ClinVar variation 495588 (VCV000495588.15), dbSNP rs1555405526, ClinGen allele CA490090173.